The following is an entry in ClinVar:

ClinVar aggregate classification (germline): Pathogenic/Likely pathogenic. Review status: criteria provided, multiple submitters, no conflicts (2 of 4 stars). 3 submissions from 3 submitters: Pathogenic (2); Likely pathogenic (1). Last evaluated 2026-01-25.

Conditions:
Neonatal encephalomyopathy-cardiomyopathy-respiratory distress syndrome. Also called: Coenzyme Q10 deficiency, primary, 7. Identifiers: Orphanet 457185, MedGen C5568562, MONDO:0014562, OMIM 616276.

Allele frequency attached by ClinVar (database versions not stated): TOPMed 0.00006.
gnomAD v4.1: 30 of 1,613,326 alleles (0.0019%); highest among the groups gnomAD compares: East Asian, 0.011%; no homozygotes.

Submissions (3):

Labcorp Genetics (formerly Invitae), Labcorp
Classification: Pathogenic for Neonatal encephalomyopathy-cardiomyopathy-respiratory distress syndrome. Last evaluated: 2026-01-25. Review status: criteria provided, single submitter. Criteria: Invitae Variant Classification Sherloc (09022015). Collection method: clinical testing. Allele origin: germline.
Comment: This sequence change affects a donor splice site in intron 4 of the COQ4 gene. It is expected to disrupt RNA splicing. Variants that disrupt the donor or acceptor splice site typically lead to a loss of protein function (PMID: 16199547), and loss-of-function variants in COQ4 are known to be pathogenic (PMID: 25658047). This variant is present in population databases (rs747779231, gnomAD 0.03%). Disruption of this splice site has been observed in individuals with primary coenzyme Q10 deficiency (PMID: 31396399). It has also been observed to segregate with disease in related individuals. ClinVar contains an entry for this variant (Variation ID: 660116). Algorithms developed to predict the effect of sequence changes on RNA splicing suggest that this variant may disrupt the consensus splice site. For these reasons, this variant has been classified as Pathogenic.

Mayo Clinic Laboratories, Mayo Clinic
Classification: Pathogenic. Last evaluated: 2023-05-15. Review status: criteria provided, single submitter. Criteria: ACMG Guidelines, 2015. Collection method: clinical testing. Allele origin: germline. Observed: 1 variant allele.
Comment: PM2, PS1, PVS1

Revvity Omics, Revvity
Classification: Likely pathogenic for Neonatal encephalomyopathy-cardiomyopathy-respiratory distress syndrome. Last evaluated: 2020-03-23. Review status: criteria provided, single submitter. Criteria: ACMG Guidelines, 2015. Collection method: clinical testing. Allele origin: germline.

Literature cited by the submitters: PubMed 16199547 (cited by Labcorp Genetics (formerly Invitae), Labcorp); PubMed 25658047 (cited by Labcorp Genetics (formerly Invitae), Labcorp); PubMed 31396399 (cited by Labcorp Genetics (formerly Invitae), Labcorp and Mayo Clinic Laboratories, Mayo Clinic); PubMed 30109123 (cited by Mayo Clinic Laboratories, Mayo Clinic); PubMed 31440721 (cited by Mayo Clinic Laboratories, Mayo Clinic); PubMed 32907636 (cited by Mayo Clinic Laboratories, Mayo Clinic).

NM_016035.5(COQ4):c.402+1G>A

Gene: COQ4 (coenzyme Q4; plus strand). Cytogenetic location: 9q34.11.
Variant type: single nucleotide variant.
Coding change: c.402+1G>A on transcript NM_016035.5 (MANE Select); the canonical splice donor site of the intron after coding-DNA position 402, G replaced by A.
Molecular consequence: splice donor variant.
Genome position (GRCh38, 1-based): chr9:128,325,882, G>A. VCF-style: chr9-128325882-G-A. GRCh37 (hg19) VCF-style: chr9-131088161-G-A.
Other names: c.*2+1G>A (NM_001305942.2).
Identifiers: ClinVar variation 660116 (VCV000660116.11), dbSNP rs747779231, ClinGen allele CA5260545.